The following is an entry in ClinVar:

ClinVar aggregate classification (germline): Likely benign. Review status: criteria provided, multiple submitters, no conflicts (2 of 4 stars). 3 submissions from 3 submitters: Likely benign (3). Last evaluated 2025-03-17.

Conditions:
SNRNP200-related disorder. Also called: SNRNP200-related condition.

Allele frequency attached by ClinVar (database versions not stated): gnomAD exomes 0.00002 and 0.00001; gnomAD 0.00003 and 0.00004; TOPMed 0.00004; ESP Exome Variant Server 0.00008.
gnomAD v4.1: 22 of 1,606,564 alleles (0.0014%); highest among the groups gnomAD compares: African/African-American, 0.0054%; no homozygotes.

Submissions (3):

Labcorp Genetics (formerly Invitae), Labcorp
Classification: Likely benign. Last evaluated: 2025-03-17. Review status: criteria provided, single submitter. Criteria: Invitae Variant Classification Sherloc (09022015). Collection method: clinical testing. Allele origin: germline.

PreventionGenetics, part of Exact Sciences
Classification: Likely benign for SNRNP200-related condition. Last evaluated: 2025-01-31. Review status: criteria provided, single submitter. Criteria: ACMG Guidelines, 2015. Collection method: clinical testing. Allele origin: germline.
Comment: This variant is classified as likely benign based on ACMG/AMP sequence variant interpretation guidelines (Richards et al. 2015 PMID: 25741868, with internal and published modifications).

Blueprint Genetics
Classification: Likely benign. Last evaluated: 2024-11-06. Review status: criteria provided, single submitter. Criteria: ACMG Guidelines, 2015. Collection method: clinical testing. Allele origin: germline.

NM_014014.5(SNRNP200):c.4560C>T (p.Pro1520=)

Gene: SNRNP200 (small nuclear ribonucleoprotein U5 subunit 200; minus strand). Cytogenetic location: 2q11.2.
Variant type: single nucleotide variant.
Coding change: c.4560C>T on transcript NM_014014.5 (MANE Select); coding-DNA position 4560, C replaced by T.
Protein change: p.Pro1520=; no amino-acid change (proline 1520 retained).
Molecular consequence: synonymous variant.
Genome position (GRCh38, 1-based): chr2:96,283,837, G>A on the plus strand (C>T on the coding strand, the complement: SNRNP200 is on the minus strand). VCF-style: chr2-96283837-G-A. GRCh37 (hg19) VCF-style: chr2-96949575-G-A.
Other names: c.4560C>T (NM_014014.4).
Identifiers: ClinVar variation 1108103 (VCV001108103.12), dbSNP rs375032361, ClinGen allele CA52391605.